The following is an entry in ClinVar:

ClinVar aggregate classification (germline): Uncertain significance. Review status: criteria provided, multiple submitters, no conflicts (2 of 4 stars). 4 submissions from 4 submitters: Uncertain significance (4). Last evaluated 2025-08-07.

Conditions:
Bardet-Biedl syndrome 3 (BBS3). Identifiers: Orphanet 110, MedGen C1859564, MONDO:0010832, OMIM 600151.
Bardet-Biedl syndrome 1 (BBS1). Identifiers: MedGen C2936862, MONDO:0008854, OMIM 209900. Disease mechanism: loss of function.
Retinitis pigmentosa 55 (RP55). Identifiers: Orphanet 791, MedGen C3150808, MONDO:0013312, OMIM 613575.

Allele frequency attached by ClinVar (database versions not stated): gnomAD 0.00001; TOPMed 0.00002.

Submissions (4):

GeneDx
Classification: Uncertain significance. Last evaluated: 2025-08-07. Review status: criteria provided, single submitter. Criteria: GeneDx Variant Classification Process June 2021. Collection method: clinical testing. Allele origin: germline. Affected: yes.
Comment: Reported with a second ARL6 variant, phase unknown, in individuals with retinitis pigmentosa in published literature (PMID: 37217489); In silico analysis supports that this missense variant has a deleterious effect on protein structure/function; Not observed at significant frequency in large population cohorts (gnomAD); This variant is associated with the following publications: (PMID: 37217489)

Fulgent Genetics
Classification: Uncertain significance for Bardet-Biedl syndrome 1; Bardet-Biedl syndrome 3; Retinitis pigmentosa 55. Last evaluated: 2024-05-08. Review status: criteria provided, single submitter. Criteria: ACMG Guidelines, 2015. Collection method: clinical testing. Allele origin: germline.

Blueprint Genetics
Classification: Uncertain significance. Last evaluated: 2022-09-27. Review status: criteria provided, single submitter. Criteria: ACMG Guidelines, 2015. Collection method: clinical testing. Allele origin: germline.

Labcorp Genetics (formerly Invitae), Labcorp
Classification: Uncertain significance for Retinitis pigmentosa 55; Bardet-Biedl syndrome 3. Last evaluated: 2022-08-22. Review status: criteria provided, single submitter. Criteria: Invitae Variant Classification Sherloc (09022015). Collection method: clinical testing. Allele origin: germline.
Comment: This sequence change replaces histidine, which is basic and polar, with arginine, which is basic and polar, at codon 115 of the ARL6 protein (p.His115Arg). This variant is not present in population databases (gnomAD no frequency). This missense change has been observed in individuals with retinitis pigmentosa (Invitae). ClinVar contains an entry for this variant (Variation ID: 1517563). Algorithms developed to predict the effect of missense changes on protein structure and function are either unavailable or do not agree on the potential impact of this missense change (SIFT: "Deleterious"; PolyPhen-2: "Probably Damaging"; Align-GVGD: "Class C0"). In summary, the available evidence is currently insufficient to determine the role of this variant in disease. Therefore, it has been classified as a Variant of Uncertain Significance.

NM_001278293.3(ARL6):c.344A>G (p.His115Arg)

Gene: ARL6 (ARF like GTPase 6; plus strand). Cytogenetic location: 3q11.2.
Variant type: single nucleotide variant.
Coding change: c.344A>G on transcript NM_001278293.3 (MANE Select); coding-DNA position 344, A replaced by G.
Protein change: p.His115Arg; replaces histidine 115 with arginine.
Molecular consequence: missense variant. On other transcripts: non-coding transcript variant (7).
Genome position (GRCh38, 1-based): chr3:97,785,044, A>G. VCF-style: chr3-97785044-A-G. GRCh37 (hg19) VCF-style: chr3-97503888-A-G.
Other names: c.344A>G, p.His115Arg (NM_001323513.2, NM_001323514.2, NM_032146.5 and 1 more transcripts); c.344A>G (NM_177976.2); short protein forms H115R.
Identifiers: ClinVar variation 1517563 (VCV001517563.6), dbSNP rs1238121913, ClinGen allele CA353587649.